The following is an entry in ClinVar:

ClinVar aggregate classification (germline): Uncertain significance (1 of 4 stars; one submission).

Conditions:
Dilated cardiomyopathy 1DD (CMD1DD). Identifiers: Orphanet 154, MedGen C2750995, MONDO:0013168, OMIM 613172.

Submission:

Labcorp Genetics (formerly Invitae), Labcorp
Classification: Uncertain significance for Dilated cardiomyopathy 1DD. Last evaluated: 2019-09-28. Review status: criteria provided, single submitter. Criteria: Invitae Variant Classification Sherloc (09022015). Collection method: clinical testing. Allele origin: germline.
Comment: In summary, the available evidence is currently insufficient to determine the role of this variant in disease. Therefore, it has been classified as a Variant of Uncertain Significance. Algorithms developed to predict the effect of missense changes on protein structure and function (SIFT, PolyPhen-2, Align-GVGD) all suggest that this variant is likely to be disruptive, but these predictions have not been confirmed by published functional studies and their clinical significance is uncertain. This variant has not been reported in the literature in individuals with RBM20-related conditions. This variant is not present in population databases (ExAC no frequency). This sequence change replaces arginine with glycine at codon 711 of the RBM20 protein (p.Arg711Gly). The arginine residue is highly conserved and there is a moderate physicochemical difference between arginine and glycine.

NM_001134363.3(RBM20):c.2131C>G (p.Arg711Gly)

Gene: RBM20 (RNA binding motif protein 20; plus strand). Cytogenetic location: 10q25.2.
Variant type: single nucleotide variant.
Coding change: c.2131C>G on transcript NM_001134363.3 (MANE Select); coding-DNA position 2131, C replaced by G.
Protein change: p.Arg711Gly; replaces arginine 711 with glycine.
Molecular consequence: missense variant.
Genome position (GRCh38, 1-based): chr10:110,812,528, C>G. VCF-style: chr10-110812528-C-G. GRCh37 (hg19) VCF-style: chr10-112572286-C-G.
Other names: short protein forms R711G.
Identifiers: ClinVar variation 939422 (VCV000939422.9), dbSNP rs750763255, ClinGen allele CA378372089.
Genomic context (GRCh38, chr10:110,812,528, plus strand): 5'-GCTCCCTGGAGGGACAACGGAGATGACAAGAGGGACAGGATGGACCCCTGGGCACATGAT[C>G]GCAAACACCACCCCCGGCAACTGGACAAGGCTGAGTTGGACGAGCGACCAGAAGGAGGGA-3'
Protein context (NP_001127835.2, residues 701-721): RDRMDPWAHD[Arg711Gly]KHHPRQLDKA